The following is an entry in ClinVar:

ClinVar aggregate classification (germline): Uncertain significance (1 of 4 stars; one submission).

Conditions:
Peroxisome biogenesis disorder. Identifiers: Orphanet 79189, MedGen C1832200, MONDO:0019234. Disease mechanism: loss of function.

Allele frequency attached by ClinVar (database versions not stated): gnomAD exomes 0.00004.
gnomAD v4.1: 56 of 1,614,030 alleles (0.0035%); highest among the groups gnomAD compares: Non-Finnish European, 0.0047%; no homozygotes.

Submission:

Labcorp Genetics (formerly Invitae), Labcorp
Classification: Uncertain significance for Peroxisome biogenesis disorder. Last evaluated: 2022-01-21. Review status: criteria provided, single submitter. Criteria: Invitae Variant Classification Sherloc (09022015). Collection method: clinical testing. Allele origin: germline.
Comment: This sequence change replaces proline, which is neutral and non-polar, with histidine, which is basic and polar, at codon 257 of the PEX6 protein (p.Pro257His). This variant is not present in population databases (gnomAD no frequency). This variant has not been reported in the literature in individuals affected with PEX6-related conditions. Algorithms developed to predict the effect of missense changes on protein structure and function are either unavailable or do not agree on the potential impact of this missense change (SIFT: "Tolerated"; PolyPhen-2: "Probably Damaging"; Align-GVGD: "Class C0"). In summary, the available evidence is currently insufficient to determine the role of this variant in disease. Therefore, it has been classified as a Variant of Uncertain Significance.

NM_000287.4(PEX6):c.770C>A (p.Pro257His)

Gene: PEX6 (peroxisomal biogenesis factor 6; minus strand). Cytogenetic location: 6p21.1.
Variant type: single nucleotide variant.
Coding change: c.770C>A on transcript NM_000287.4 (MANE Select); coding-DNA position 770, C replaced by A.
Protein change: p.Pro257His; replaces proline 257 with histidine.
Molecular consequence: missense variant. On other transcripts: non-coding transcript variant (1), intron variant (1).
Genome position (GRCh38, 1-based): chr6:42,978,381, G>T on the plus strand (C>A on the coding strand, the complement: PEX6 is on the minus strand). VCF-style: chr6-42978381-G-T. GRCh37 (hg19) VCF-style: chr6-42946119-G-T.
Other names: c.618+152C>A (NM_001316313.2); short protein forms P257H.
Identifiers: ClinVar variation 1931131 (VCV001931131.2), dbSNP rs1055515273, ClinGen allele CA138237626.